The following is an entry in ClinVar:

NM_000051.4(ATM):c.2531G>C (p.Gly844Ala)

Gene: ATM (ATM serine/threonine kinase; plus strand). Cytogenetic location: 11q22.3.
Variant type: single nucleotide variant.
Coding change: c.2531G>C on transcript NM_000051.4 (MANE Select); coding-DNA position 2531, G replaced by C.
Protein change: p.Gly844Ala; replaces glycine 844 with alanine.
Molecular consequence: missense variant.
Genome position (GRCh38, 1-based): chr11:108,267,235, G>C. VCF-style: chr11-108267235-G-C. GRCh37 (hg19) VCF-style: chr11-108137962-G-C.
Other names: c.2531G>C, p.Gly844Ala (NM_001351834.2); short protein forms G844A.
Identifiers: ClinVar variation 479088 (VCV000479088.14), dbSNP rs587781808, ClinGen allele CA6265056.
Genomic context (GRCh38, chr11:108,267,235, plus strand): 5'-CCTTCATCAAAAAGCCATTTGACCGTGGAGAAGTAGAATCAATGGAAGATGATACTAATG[G>C]AAATCTAATGGAGGTGGAGGATCAGTCATCCATGAATCTATTTAACGATTACCCTGATAG-3'
Protein context (NP_000042.3, residues 834-854): EVESMEDDTN[Gly844Ala]NLMEVEDQSS

ClinVar aggregate classification (germline): Conflicting classifications of pathogenicity. Review status: criteria provided, conflicting classifications (1 of 4 stars). 4 submissions from 4 submitters: Uncertain significance (3); Likely benign (1). Last evaluated 2025-07-04.

Conditions:
Hereditary cancer-predisposing syndrome. Also called: Tumor predisposition; Neoplastic Syndromes, Hereditary; Hereditary Cancer Syndrome; Hereditary neoplastic syndrome. Identifiers: Orphanet 140162, MedGen C0027672, MeSH D009386, MONDO:0015356.
Ataxia-telangiectasia syndrome (AT). Also called: Cerebello-oculocutaneous telangiectasia; Immunodeficiency with ataxia telangiectasia; ATAXIA-TELANGIECTASIA, COMPLEMENTATION GROUP A; Ataxia-telangiectasia, complementation group D; AT, COMPLEMENTATION GROUP C; ATAXIA-TELANGIECTASIA, FRESNO VARIANT. Identifiers: Orphanet 100, MedGen C0004135, MONDO:0008840, OMIM 208900.

Allele frequency attached by ClinVar (database versions not stated): TOPMed 0.00001.
gnomAD v4.1: 16 of 1,613,940 alleles (0.00099%); highest among the groups gnomAD compares: Non-Finnish European, 0.0014%; no homozygotes.

Submissions (4):

ARUP Laboratories, Molecular Genetics and Genomics, ARUP Laboratories
Classification: Uncertain significance. Last evaluated: 2025-07-04. Review status: criteria provided, single submitter. Criteria: ARUP Molecular Germline Variant Investigation Process 2024. Collection method: clinical testing. Allele origin: germline.
Comment: The ATM c.2531G>C; p.Gly844Ala variant (rs587781808, ClinVar Variation ID: 479088) is reported in one individual affected with breast cancer and one control (Dorling 2021). This variant is only observed on one allele in the Genome Aggregation Database (v2.1.1), indicating it is not a common polymorphism. Computational analyses predict that this variant is neutral (REVEL: 0.089). Due to limited information, the clinical significance of this variant is uncertain at this time. References: Dorling L et al. Breast Cancer Risk Genes - Association Analysis in More than 113,000 Women. N Engl J Med. 2021 Feb 4;384(5):428-439. PMID: 33471991.

Labcorp Genetics (formerly Invitae), Labcorp
Classification: Uncertain significance for Ataxia-telangiectasia syndrome. Last evaluated: 2024-12-10. Review status: criteria provided, single submitter. Criteria: Invitae Variant Classification Sherloc (09022015). Collection method: clinical testing. Allele origin: germline.
Comment: This sequence change replaces glycine, which is neutral and non-polar, with alanine, which is neutral and non-polar, at codon 844 of the ATM protein (p.Gly844Ala). This variant is present in population databases (rs587781808, gnomAD 0.0009%). This variant has not been reported in the literature in individuals affected with ATM-related conditions. ClinVar contains an entry for this variant (Variation ID: 479088). Invitae Evidence Modeling of protein sequence and biophysical properties (such as structural, functional, and spatial information, amino acid conservation, physicochemical variation, residue mobility, and thermodynamic stability) indicates that this missense variant is not expected to disrupt ATM protein function with a negative predictive value of 95%. In summary, the available evidence is currently insufficient to determine the role of this variant in disease. Therefore, it has been classified as a Variant of Uncertain Significance.

Ambry Genetics
Classification: Likely benign for Hereditary cancer-predisposing syndrome. Last evaluated: 2024-08-07. Review status: criteria provided, single submitter. Criteria: Ambry Variant Classification Scheme 2023. Collection method: clinical testing. Allele origin: germline.

Color Diagnostics, LLC DBA Color Health
Classification: Uncertain significance for Hereditary cancer-predisposing syndrome. Last evaluated: 2023-05-11. Review status: criteria provided, single submitter. Criteria: ACMG Guidelines, 2015. Collection method: clinical testing. Allele origin: germline.
Comment: This missense variant replaces glycine with alanine at codon 844 of the ATM protein. Computational prediction suggests that this variant may not impact protein structure and function (internally defined REVEL score threshold <= 0.5, PMID: 27666373). To our knowledge, functional studies have not been reported for this variant. This variant has been reported in an individual affected with breast cancer and in an unaffected individual (PMID: 28779002). This variant has been identified in 1/251404 chromosomes in the general population by the Genome Aggregation Database (gnomAD). The available evidence is insufficient to determine the role of this variant in disease conclusively. Therefore, this variant is classified as a Variant of Uncertain Significance.

Literature cited by the submitters: PubMed 28779002 (cited by Ambry Genetics and Color Diagnostics, LLC DBA Color Health).